The following is an entry in ClinVar:

NM_001510.4(GRID2):c.1720G>T (p.Ala574Ser)

Gene: GRID2 (glutamate ionotropic receptor delta type subunit 2; plus strand). Cytogenetic location: 4q22.2.
Variant type: single nucleotide variant.
Coding change: c.1720G>T on transcript NM_001510.4 (MANE Select); coding-DNA position 1720, G replaced by T.
Protein change: p.Ala574Ser; replaces alanine 574 with serine.
Molecular consequence: missense variant.
Genome position (GRCh38, 1-based): chr4:93,455,836, G>T. VCF-style: chr4-93455836-G-T. GRCh37 (hg19) VCF-style: chr4-94376987-G-T.
Other names: c.1720G>T (NM_001510.2); c.1435G>T, p.Ala479Ser (NM_001286838.1); short protein forms A479S, A574S.
Identifiers: ClinVar variation 1985697 (VCV001985697.5), dbSNP rs1207279195, ClinGen allele CA357726203.

ClinVar aggregate classification (germline): Uncertain significance. Review status: criteria provided, multiple submitters, no conflicts (2 of 4 stars). 2 submissions from 2 submitters: Uncertain significance (2). Last evaluated 2025-08-20.

Conditions:
Inborn genetic diseases. Identifiers: MedGen C0950123, MeSH D030342.

gnomAD v4.1: 15 of 1,613,148 alleles (0.00093%); highest among the groups gnomAD compares: Non-Finnish European, 0.0013%; no homozygotes.

Submissions (2):

Ambry Genetics
Classification: Uncertain significance for Inborn genetic diseases. Last evaluated: 2025-08-20. Review status: criteria provided, single submitter. Criteria: Ambry Variant Classification Scheme 2023. Collection method: clinical testing. Allele origin: germline.

Labcorp Genetics (formerly Invitae), Labcorp
Classification: Uncertain significance. Last evaluated: 2022-03-04. Review status: criteria provided, single submitter. Criteria: Invitae Variant Classification Sherloc (09022015). Collection method: clinical testing. Allele origin: germline.
Comment: In summary, the available evidence is currently insufficient to determine the role of this variant in disease. Therefore, it has been classified as a Variant of Uncertain Significance. Algorithms developed to predict the effect of missense changes on protein structure and function are either unavailable or do not agree on the potential impact of this missense change (SIFT: "Deleterious"; PolyPhen-2: "Probably Damaging"; Align-GVGD: "Class C0"). This variant has not been reported in the literature in individuals affected with GRID2-related conditions. This variant is present in population databases (no rsID available, gnomAD 0.0009%). This sequence change replaces alanine, which is neutral and non-polar, with serine, which is neutral and polar, at codon 574 of the GRID2 protein (p.Ala574Ser).